The following is an entry in ClinVar:

NR_104075.1(RNVU1-14):n.76G>T

Gene: RNVU1-14 (RNA, variant U1 small nuclear 14; plus strand). Cytogenetic location: 1q21.1.
Variant type: single nucleotide variant.
Molecular consequence: non-coding transcript variant (on NR_104075.1).
Genome position: GRCh38 VCF-style: chr1-145281191-G-T. GRCh37 (hg19) VCF-style: chr1-148241540-G-T.
Identifiers: ClinVar variation 3770175 (VCV003770175.1).

ClinVar aggregate classification (germline): Uncertain significance (1 of 4 stars; one submission).

Submission:

Institute for Human Genetics, University Hospital Essen
Classification: Uncertain significance. Last evaluated: 2005-03-05. Review status: criteria provided, single submitter. Criteria: ACMG Guidelines, 2015. Collection method: clinical testing. Allele origin: de novo. Affected: yes.
Comment: PM2_supp, PS2